The following is an entry in ClinVar:

ClinVar aggregate classification (germline): Uncertain significance (1 of 4 stars; one submission).

Conditions:
Lymphoproliferative syndrome 1 (LPFS1). Identifiers: Orphanet 238505, Orphanet 538963, MedGen C3552634, MONDO:0013081, OMIM 613011.

Submissions (2):

Labcorp Genetics (formerly Invitae), Labcorp
Classification: Uncertain significance for Lymphoproliferative syndrome 1. Last evaluated: 2025-05-13. Review status: criteria provided, single submitter. Criteria: Invitae Variant Classification Sherloc (09022015). Collection method: clinical testing. Allele origin: germline.
Comment: This sequence change replaces arginine, which is basic and polar, with glycine, which is neutral and non-polar, at codon 96 of the ITK protein (p.Arg96Gly). This variant is present in population databases (no rsID available, gnomAD 0.0009%). This variant has not been reported in the literature in individuals affected with ITK-related conditions. ClinVar contains an entry for this variant (Variation ID: 1509448). Invitae Evidence Modeling of protein sequence and biophysical properties (such as structural, functional, and spatial information, amino acid conservation, physicochemical variation, residue mobility, and thermodynamic stability) indicates that this missense variant is not expected to disrupt ITK protein function with a negative predictive value of 80%. In summary, the available evidence is currently insufficient to determine the role of this variant in disease. Therefore, it has been classified as a Variant of Uncertain Significance.

Dr. Peter K. Rogan Lab, Western University
No classification provided (evidence only). Condition: Melanoma. Review status: no classification provided. Collection method: in vitro. Allele origin: not applicable. Functional consequence: retained intron. Not counted in ClinVar's aggregate classification.

NM_005546.4(ITK):c.286C>G (p.Arg96Gly)

Gene: ITK (IL2 inducible T cell kinase; plus strand). Cytogenetic location: 5q33.3.
Variant type: single nucleotide variant.
Coding change: c.286C>G on transcript NM_005546.4 (MANE Select); coding-DNA position 286, C replaced by G.
Protein change: p.Arg96Gly; replaces arginine 96 with glycine.
Molecular consequence: missense variant.
Genome position (GRCh38, 1-based): chr5:157,211,329, C>G. VCF-style: chr5-157211329-C-G. GRCh37 (hg19) VCF-style: chr5-156638340-C-G.
Other names: short protein forms R96G.
Identifiers: ClinVar variation 1509448 (VCV001509448.7), dbSNP rs372181411, ClinGen allele CA361949723.